The following is an entry in ClinVar:

NM_020297.4(ABCC9):c.172A>C (p.Ile58Leu)

Gene: ABCC9 (ATP binding cassette subfamily C member 9; minus strand). Cytogenetic location: 12p12.1.
Variant type: single nucleotide variant.
Coding change: c.172A>C on transcript NM_020297.4 (MANE Select); coding-DNA position 172, A replaced by C.
Protein change: p.Ile58Leu; replaces isoleucine 58 with leucine.
Molecular consequence: missense variant. On other transcripts: 5 prime UTR variant (1).
Genome position (GRCh38, 1-based): chr12:21,933,894, T>G on the plus strand (A>C on the coding strand, the complement: ABCC9 is on the minus strand). VCF-style: chr12-21933894-T-G. GRCh37 (hg19) VCF-style: chr12-22086828-T-G.
Other names: c.172A>C, p.Ile58Leu (NM_001377273.1, NM_005691.4); c.-283A>C (NM_001377274.1); short protein forms I58L.
Identifiers: ClinVar variation 3677224 (VCV003677224.2).
Genomic context (GRCh38, chr12:21,933,894, plus strand): 5'-CGAATGTAAGAATCCATCTCAGGTTATGTCCCGGAAAATGAAGCCATGTGTTGTGGTGAA[T>G]TTGTACTTTTGAGCTTTGGCTCCCCCACCCTGGAAAAGAGAGAAAAGTTAAAAACAAAAA-3'
Protein context (NP_064693.2, residues 48-68): GWGSQSSKVQ[Ile58Leu]HHNTWLHFPG

ClinVar aggregate classification (germline): Uncertain significance (1 of 4 stars; one submission).

Conditions:
Dilated cardiomyopathy 1O (CMD1O). Also called: CARDIOMYOPATHY, DILATED, WITH VENTRICULAR TACHYCARDIA. Identifiers: Orphanet 154, MedGen C1837839, MONDO:0012062, OMIM 608569.

gnomAD v4.1: 1 of 1,613,496 alleles (0.000062%); highest among the groups gnomAD compares: Non-Finnish European, 0.000085%; no homozygotes.

Submission:

Labcorp Genetics (formerly Invitae), Labcorp
Classification: Uncertain significance for Dilated cardiomyopathy 1O. Last evaluated: 2024-10-19. Review status: criteria provided, single submitter. Criteria: Invitae Variant Classification Sherloc (09022015). Collection method: clinical testing. Allele origin: germline.
Comment: This sequence change replaces isoleucine, which is neutral and non-polar, with leucine, which is neutral and non-polar, at codon 58 of the ABCC9 protein (p.Ile58Leu). This variant is not present in population databases (gnomAD no frequency). This variant has not been reported in the literature in individuals affected with ABCC9-related conditions. Invitae Evidence Modeling of protein sequence and biophysical properties (such as structural, functional, and spatial information, amino acid conservation, physicochemical variation, residue mobility, and thermodynamic stability) indicates that this missense variant is expected to disrupt ABCC9 protein function with a positive predictive value of 95%. In summary, the available evidence is currently insufficient to determine the role of this variant in disease. Therefore, it has been classified as a Variant of Uncertain Significance.